The following is an entry in ClinVar:

ClinVar aggregate classification (germline): Uncertain significance. Review status: criteria provided, multiple submitters, no conflicts (2 of 4 stars). 2 submissions from 2 submitters: Uncertain significance (2). Last evaluated 2023-06-27.

Conditions:
Hereditary breast ovarian cancer syndrome. Also called: Hereditary breast and ovarian cancer; Hereditary breast and ovarian cancer syndrome (HBOC); Breast and ovarian cancer; Hereditary breast and/or ovarian cancer syndrome; BRCA1- and BRCA2-Associated Hereditary Breast and Ovarian Cancer; Hereditary breast and ovarian cancer syndrome. Identifiers: Orphanet 145, MedGen C0677776, MeSH D061325, MONDO:0003582. Disease mechanism: loss of function.
Hereditary cancer-predisposing syndrome. Also called: Neoplastic Syndromes, Hereditary; Tumor predisposition; Hereditary Cancer Syndrome; Hereditary neoplastic syndrome. Identifiers: Orphanet 140162, MedGen C0027672, MeSH D009386, MONDO:0015356.

gnomAD v4.1: 9 of 1,614,240 alleles (0.00056%); highest among the groups gnomAD compares: Non-Finnish European, 0.00076%; no homozygotes.

Submissions (3):

Color Diagnostics, LLC DBA Color Health
Classification: Uncertain significance for Hereditary cancer-predisposing syndrome. Last evaluated: 2023-06-27. Review status: criteria provided, single submitter. Criteria: ACMG Guidelines, 2015. Collection method: clinical testing. Allele origin: germline.
Comment: This missense variant replaces arginine with lysine at codon 1649 of the BRCA1 protein. Computational prediction is inconclusive regarding the impact of this variant on protein structure and function (internally defined REVEL score threshold 0.5 < inconclusive < 0.7, PMID: 27666373). A functional study has reported that this variant does not impact BRCA1 function in a haploid cell proliferation assay (PMID: 30209399). This variant has been reported in an individual affected with breast cancer (PMID: 32803532) and in a breast cancer case-control meta-analysis in 1/60466 cases and 1/53461 unaffected individuals (PMID: 33471991; Leiden Open Variation Database DB-ID BRCA1_006192). This variant has not been identified in the general population by the Genome Aggregation Database (gnomAD). The available evidence is insufficient to determine the role of this variant in disease conclusively. Therefore, this variant is classified as a Variant of Uncertain Significance.

Breast Center, Key Laboratory of Carcinogenesis and Translational Research
Classification: Uncertain significance for Hereditary breast and ovarian cancer syndrome. Last evaluated: 2020-05-01. Review status: criteria provided, single submitter. Criteria: ACMG Guidelines, 2015. Collection method: clinical testing. Allele origin: germline. Observed: 1 variant allele.

Brotman Baty Institute, University of Washington
No classification provided (evidence only). Condition: Breast-ovarian cancer, familial 1. Review status: no classification provided. Collection method: in vitro. Allele origin: not applicable. Functional consequence: functionally_normal. Not counted in ClinVar's aggregate classification.
ClinVar note: "not provided" was previously submitted as the classification for the variant. However, the classification appeared to be based only on an observation of functional data so it was converted to no classification on 2025-07-30.

Literature cited by the submitters: PubMed 30209399 (cited by Color Diagnostics, LLC DBA Color Health and Breast Center, Key Laboratory of Carcinogenesis and Translational Research); PubMed 32803532 (cited by Color Diagnostics, LLC DBA Color Health); PubMed 33471991 (cited by Color Diagnostics, LLC DBA Color Health).

NM_007294.4(BRCA1):c.4946G>A (p.Arg1649Lys)

Gene: BRCA1 (BRCA1 DNA repair associated; minus strand). Cytogenetic location: 17q21.31.
Variant type: single nucleotide variant.
Coding change: c.4946G>A on transcript NM_007294.4 (MANE Select); coding-DNA position 4946, G replaced by A.
Protein change: p.Arg1649Lys; replaces arginine 1649 with lysine.
Molecular consequence: missense variant. On other transcripts: non-coding transcript variant (1).
Genome position (GRCh38, 1-based): chr17:43,070,968, C>T on the plus strand (G>A on the coding strand, the complement: BRCA1 is on the minus strand). VCF-style: chr17-43070968-C-T. GRCh37 (hg19) VCF-style: chr17-41222985-C-T.
Other names: c.4733G>A, p.Arg1578Lys (NM_001407571.1, NM_001407894.1, NM_001407908.1 and 12 more transcripts); c.5012G>A, p.Arg1671Lys (NM_001407581.1, NM_001407582.1); c.5009G>A, p.Arg1670Lys (NM_001407583.1, NM_001407585.1, NM_001407587.1 and 1 more transcripts); c.5006G>A, p.Arg1669Lys (NM_001407590.1, NM_001407591.1); c.4946G>A, p.Arg1649Lys (NM_001407593.1, NM_001407594.1, NM_001407596.1 and 8 more transcripts); c.4943G>A, p.Arg1648Lys (NM_001407615.1, NM_001407616.1, NM_001407617.1 and 17 more transcripts); c.4940G>A, p.Arg1647Lys (NM_001407634.1, NM_001407635.1, NM_001407636.1 and 14 more transcripts); c.4865G>A, p.Arg1622Lys (NM_001407656.1, NM_001407657.1, NM_001407658.1); and 70 more; short protein forms R1602K, R1649K, R1670K, R545K, R1522K, R1536K, R1559K, R1561K.
Identifiers: ClinVar variation 868865 (VCV000868865.7), dbSNP rs876660509, ClinGen allele CA10591632.